The following is an entry in ClinVar:

ClinVar aggregate classification (germline): Pathogenic (1 of 4 stars; one submission).

Allele frequency attached by ClinVar (database versions not stated): gnomAD exomes below 0.00001.

Submission:

Labcorp Genetics (formerly Invitae), Labcorp
Classification: Pathogenic. Last evaluated: 2023-02-08. Review status: criteria provided, single submitter. Criteria: Invitae Variant Classification Sherloc (09022015). Collection method: clinical testing. Allele origin: germline.
Comment: For these reasons, this variant has been classified as Pathogenic. This variant disrupts a region of the TSFM protein in which other variant(s) (p.Cys336Tyr) have been determined to be pathogenic (PMID: 25037205). This suggests that this is a clinically significant region of the protein, and that variants that disrupt it are likely to be disease-causing. This sequence change creates a premature translational stop signal (p.Val329*) in the TSFM gene. While this is not anticipated to result in nonsense mediated decay, it is expected to disrupt the last 18 amino acid(s) of the TSFM protein. This variant is not present in population databases (gnomAD no frequency). This variant has not been reported in the literature in individuals affected with TSFM-related conditions.

Literature cited by the submitters: PubMed 25037205.

NM_005726.6(TSFM):c.922del (p.Val307_Val308insTer)

Gene: TSFM (Ts translation elongation factor, mitochondrial; plus strand). Cytogenetic location: 12q14.1.
Variant type: Deletion.
Coding change: c.922del on transcript NM_005726.6 (MANE Select); coding-DNA position 922, one base deleted (G; older notation c.922delG).
Protein change: p.Val307_Val308insTer.
Molecular consequence: nonsense. On other transcripts: 3 prime UTR variant (1), intron variant (1).
Genome position (GRCh38, 1-based): chr12:57,796,527, G deleted. VCF-style (leftmost placement, unchanged base first): chr12-57796526-AG-A. GRCh37 (hg19) VCF-style: chr12-58190309-AG-A.
Other names: c.*330del (NM_001172695.2); c.985del, p.Val328_Val329insTer (NM_001172696.2); c.571+3454del (NM_001172697.2).
Identifiers: ClinVar variation 2833928 (VCV002833928.3), dbSNP rs2540966009, ClinGen allele CA2619518240.
Genomic context (GRCh38, chr12:57,796,526, plus strand): 5'-GTATTTGCTGGATCCCTCCATTACCTTGGGGCAGTATGTGCAGCCTCAGGGGGTGTCGGT[AG>A]TAGACTTTGTGCGGTTTGAATGTGGAGAAGGTGAAGAGGCAGCAGAAACTGAATAGGTTC-3'